The following is an entry in ClinVar:

ClinVar aggregate classification (germline): Likely benign. Review status: criteria provided, multiple submitters, no conflicts (2 of 4 stars). 2 submissions from 2 submitters: Likely benign (2). Last evaluated 2025-08-28.

Conditions:
DST-related disorder. Also called: DST-related condition; DST-related disorders.
Epidermolysis bullosa simplex 3, localized or generalized intermediate, with BP230 deficiency (EBS3). Also called: Epidermolysis bullosa simplex, autosomal recessive 2; Epidermolysis bullosa simplex due to BP230 deficiency. Identifiers: Orphanet 412181, MedGen C3809470, MONDO:0014180, OMIM 615425.
Hereditary sensory and autonomic neuropathy type 6. Also called: Neuropathy, hereditary sensory and autonomic, type VI; HSAN VI. Identifiers: Orphanet 314381, MedGen C3539003, MONDO:0013839, OMIM 614653.

Allele frequency attached by ClinVar (database versions not stated): ExAC 0.00001; gnomAD exomes 0.00001; gnomAD 0.00002; TOPMed 0.00002; 1000 Genomes Project 0.00020; 1000 Genomes Project 30x 0.00031.
gnomAD v4.1: 8 of 1,613,870 alleles (0.0005%); highest among the groups gnomAD compares: Admixed American, 0.01%; no homozygotes.

Submissions (2):

PreventionGenetics, part of Exact Sciences
Classification: Likely benign for DST-related condition. Last evaluated: 2025-08-28. Review status: criteria provided, single submitter. Criteria: ACMG Guidelines, 2015. Collection method: clinical testing. Allele origin: germline.
Comment: This variant is classified as likely benign based on ACMG/AMP sequence variant interpretation guidelines (Richards et al. 2015 PMID: 25741868, with internal and published modifications).

Labcorp Genetics (formerly Invitae), Labcorp
Classification: Likely benign for Epidermolysis bullosa simplex 3, localized or generalized intermediate, with BP230 deficiency; Hereditary sensory and autonomic neuropathy type 6. Last evaluated: 2024-08-19. Review status: criteria provided, single submitter. Criteria: Invitae Variant Classification Sherloc (09022015). Collection method: clinical testing. Allele origin: germline.

NM_001374736.1(DST):c.2688A>G (p.Ala896=)

Gene: DST (dystonin; minus strand). Cytogenetic location: 6p12.1.
Variant type: single nucleotide variant.
Coding change: c.2688A>G on transcript NM_001374736.1 (MANE Select); coding-DNA position 2688, A replaced by G.
Protein change: p.Ala896=; no amino-acid change (alanine 896 retained).
Molecular consequence: synonymous variant.
Genome position (GRCh38, 1-based): chr6:56,639,705, T>C on the plus strand (A>G on the coding strand, the complement: DST is on the minus strand). VCF-style: chr6-56639705-T-C. GRCh37 (hg19) VCF-style: chr6-56504503-T-C.
Other names: c.1077A>G (NM_001723.5); c.2055A>G, p.Ala685= (NM_183380.4, NM_001374729.1, NM_001374730.1 and 1 more transcripts); c.2589A>G, p.Ala863= (NM_001144769.5); c.2175A>G, p.Ala725= (NM_001144770.2); c.2688A>G, p.Ala896= (NM_001374722.1); c.2715A>G, p.Ala905= (NM_001374734.1); c.1077A>G, p.Ala359= (NM_001723.7, NM_015548.5).
Identifiers: ClinVar variation 2929377 (VCV002929377.4), dbSNP rs181855017, ClinGen allele CA3871357.
Genomic context (GRCh38, chr6:56,639,705, plus strand): 5'-TTTTGCCAAATATAGATAAGGGAAACAGAAGGTTTAAAAAAAAAAACTTACCAAGAGTTT[T>C]GCATACTGACTCTCTAATCTGTGCAACTTTTCTGCATAAGTCAGTTTAAGAGGTGCTGTC-3'
Protein context (NP_001361665.1, residues 886-906): EKLHRLESQY[Ala896=]KLLNTSRNQE